The following is an entry in ClinVar:

NM_001378452.1(ITPR1):c.6696A>G (p.Lys2232=)

Gene: ITPR1 (inositol 1,4,5-trisphosphate receptor type 1; plus strand). Cytogenetic location: 3p26.1.
Variant type: single nucleotide variant.
Coding change: c.6696A>G on transcript NM_001378452.1 (MANE Select); coding-DNA position 6696, A replaced by G.
Protein change: p.Lys2232=; no amino-acid change (lysine 2232 retained).
Molecular consequence: synonymous variant.
Genome position (GRCh38, 1-based): chr3:4,788,027, A>G. VCF-style: chr3-4788027-A-G. GRCh37 (hg19) VCF-style: chr3-4829711-A-G.
Other names: p.Lys2169=; c.6552A>G, p.Lys2184= (NM_001099952.4); c.6651A>G, p.Lys2217= (NM_001168272.2); c.6507A>G, p.Lys2169= (NM_002222.7); c.6507A>G (NM_002222.6).
Identifiers: ClinVar variation 129300 (VCV000129300.24), dbSNP rs34491089, ClinGen allele CA153216.

ClinVar aggregate classification (germline): Benign. Review status: criteria provided, multiple submitters, no conflicts (2 of 4 stars). 8 submissions from 8 submitters: Benign (6). 2 of the submissions do not count toward it. Last evaluated 2026-02-03.

Conditions:
ITPR1-related disorder. Also called: ITPR1-related condition.
Autosomal dominant cerebellar ataxia. Also called: Spinocerebellar Ataxia, Dominant. Identifiers: Orphanet 99, MedGen C4087347, MONDO:0020380.

Allele frequency attached by ClinVar (database versions not stated): ESP Exome Variant Server 0.01836; TOPMed 0.01985; gnomAD 0.02052 and 0.02153; 1000 Genomes Project 30x 0.02077; 1000 Genomes Project 0.02137; gnomAD exomes 0.02655 and 0.03024; ExAC 0.03172.
gnomAD v4.1: 41,948 of 1,612,788 alleles (2.6%); highest among the groups gnomAD compares: Admixed American, 5.3%; 715 homozygotes.

Submissions (8):

Labcorp Genetics (formerly Invitae), Labcorp
Classification: Benign. Last evaluated: 2026-02-03. Review status: criteria provided, single submitter. Criteria: Invitae Variant Classification Sherloc (09022015). Collection method: clinical testing. Allele origin: germline.

Athena Diagnostics
Classification: Benign. Last evaluated: 2023-11-21. Review status: criteria provided, single submitter. Criteria: Athena Diagnostics Criteria. Collection method: clinical testing. Allele origin: unknown.

Mayo Clinic Laboratories, Mayo Clinic
Classification: Benign. Last evaluated: 2022-03-24. Review status: criteria provided, single submitter. Criteria: ACMG Guidelines, 2015. Collection method: clinical testing. Allele origin: germline. Observed: 25 variant alleles.

GeneDx
Classification: Benign. Last evaluated: 2018-09-04. Review status: criteria provided, single submitter. Criteria: GeneDx Variant Classification Process June 2021. Collection method: clinical testing. Allele origin: germline. Affected: yes.

Illumina Laboratory Services, Illumina
Classification: Benign for Spinocerebellar Ataxia, Dominant. Last evaluated: 2018-01-13. Review status: criteria provided, single submitter. Criteria: ICSL Variant Classification Criteria 13 December 2019. Collection method: clinical testing. Allele origin: germline.
Comment: This variant was observed in the ICSL laboratory as part of a predisposition screen in an ostensibly healthy population. It had not been previously curated by ICSL or reported in the Human Gene Mutation Database (HGMD: prior to June 1st, 2018), and was therefore a candidate for classification through an automated scoring system. Utilizing variant allele frequency, disease prevalence and penetrance estimates, and inheritance mode, an automated score was calculated to assess if this variant is too frequent to cause the disease. Based on the score and internal cut-off values, a variant classified as benign is not then subjected to further curation. The score for this variant resulted in a classification of benign for this disease.

Breakthrough Genomics
Classification: Benign. Review status: criteria provided, single submitter. Criteria: ACMG Guidelines, 2015. Collection method: not provided. Allele origin: germline. Inheritance: Autosomal dominant inheritance. Affected: yes.

PreventionGenetics, part of Exact Sciences
Classification: Benign for ITPR1-related condition. Last evaluated: 2019-02-20. Review status: no assertion criteria provided. Collection method: clinical testing. Allele origin: germline. Not counted in ClinVar's aggregate classification.
Comment: This variant is classified as benign based on ACMG/AMP sequence variant interpretation guidelines (Richards et al. 2015 PMID: 25741868, with internal and published modifications).

Genetic Services Laboratory, University of Chicago
Classification: Likely benign for AllHighlyPenetrant. Review status: no assertion criteria provided. Collection method: clinical testing. Allele origin: germline. Inheritance: Autosomal dominant inheritance. Not counted in ClinVar's aggregate classification.
Comment: Likely benign based on allele frequency in 1000 Genomes Project or ESP global frequency and its presence in a patient with a rare or unrelated disease phenotype. NOT Sanger confirmed.